The following is an entry in ClinVar:

ClinVar aggregate classification (germline): Pathogenic (1 of 4 stars; one submission).

Conditions:
Peroxisome biogenesis disorder 5A (Zellweger) (PBD5A). Identifiers: Orphanet 912, MedGen C3553940, MONDO:0013932, OMIM 614866.

Submission:

Labcorp Genetics (formerly Invitae), Labcorp
Classification: Pathogenic for Peroxisome biogenesis disorder 5A (Zellweger). Last evaluated: 2024-11-05. Review status: criteria provided, single submitter. Criteria: Invitae Variant Classification Sherloc (09022015). Collection method: clinical testing. Allele origin: germline.
Comment: This sequence change creates a premature translational stop signal (p.Gln159*) in the PEX2 gene. While this is not anticipated to result in nonsense mediated decay, it is expected to disrupt the last 147 amino acid(s) of the PEX2 protein. This variant is not present in population databases (gnomAD no frequency). This variant has not been reported in the literature in individuals affected with PEX2-related conditions. ClinVar contains an entry for this variant (Variation ID: 2115889). This variant disrupts a region of the PEX2 protein in which other variant(s) (p.Leu207Serfs*10) have been determined to be pathogenic (internal data). This suggests that this is a clinically significant region of the protein, and that variants that disrupt it are likely to be disease-causing. For these reasons, this variant has been classified as Pathogenic.

NM_000318.3(PEX2):c.475C>T (p.Gln159Ter)

Gene: PEX2 (peroxisomal biogenesis factor 2; minus strand). Cytogenetic location: 8q21.13.
Variant type: single nucleotide variant.
Coding change: c.475C>T on transcript NM_000318.3 (MANE Select); coding-DNA position 475, C replaced by T.
Protein change: p.Gln159Ter; replaces glutamine 159 with a stop codon.
Molecular consequence: nonsense.
Genome position (GRCh38, 1-based): chr8:76,983,704, G>A on the plus strand (C>T on the coding strand, the complement: PEX2 is on the minus strand). VCF-style: chr8-76983704-G-A. GRCh37 (hg19) VCF-style: chr8-77895940-G-A.
Other names: c.475C>T, p.Gln159Ter (NM_001079867.2, NM_001172086.2, NM_001172087.2); short protein forms Q159*.
Identifiers: ClinVar variation 2115889 (VCV002115889.4), dbSNP rs2487451984, ClinGen allele CA371557260.
Genomic context (GRCh38, chr8:76,983,704, plus strand): 5'-TGCAAAATACAGAATGAATACCTAGGAGACGTTCTGTCAAAGTTGCAAACTTTCCCCTCT[G>A]AAGGAAAATCAAAAAATTAATCAGCCCACCTAATTTCAAAAGTCCAATCACAAAATTCAC-3'